The following is an entry in ClinVar:

ClinVar aggregate classification (germline): Conflicting classifications of pathogenicity. Review status: criteria provided, conflicting classifications (1 of 4 stars). 2 submissions from 2 submitters: Uncertain significance (1); Likely benign (1). Last evaluated 2023-05-13.

Allele frequency attached by ClinVar (database versions not stated): TOPMed 0.00001; gnomAD 0.00002.
gnomAD v4.1: 13 of 1,612,974 alleles (0.00081%); highest among the groups gnomAD compares: Admixed American, 0.0017%; no homozygotes.

Submissions (2):

Labcorp Genetics (formerly Invitae), Labcorp
Classification: Uncertain significance. Last evaluated: 2023-05-13. Review status: criteria provided, single submitter. Criteria: Invitae Variant Classification Sherloc (09022015). Collection method: clinical testing. Allele origin: germline.
Comment: In summary, the available evidence is currently insufficient to determine the role of this variant in disease. Therefore, it has been classified as a Variant of Uncertain Significance. This sequence change replaces proline, which is neutral and non-polar, with arginine, which is basic and polar, at codon 402 of the FGFR3 protein (p.Pro402Arg). This variant is present in population databases (rs752194597, gnomAD 0.003%). This variant has not been reported in the literature in individuals affected with FGFR3-related conditions. ClinVar contains an entry for this variant (Variation ID: 383740). Advanced modeling of protein sequence and biophysical properties (such as structural, functional, and spatial information, amino acid conservation, physicochemical variation, residue mobility, and thermodynamic stability) performed at Invitae indicates that this missense variant is not expected to disrupt FGFR3 protein function.

GeneDx
Classification: Likely benign. Last evaluated: 2020-08-11. Review status: criteria provided, single submitter. Criteria: GeneDx Variant Classification Process June 2021. Collection method: clinical testing. Allele origin: germline. Affected: yes.

NM_000142.5(FGFR3):c.1205C>G (p.Pro402Arg)

Gene: FGFR3 (fibroblast growth factor receptor 3; plus strand). Cytogenetic location: 4p16.3.
Variant type: single nucleotide variant.
Coding change: c.1205C>G on transcript NM_000142.5 (MANE Select); coding-DNA position 1205, C replaced by G.
Protein change: p.Pro402Arg; replaces proline 402 with arginine.
Molecular consequence: missense variant. On other transcripts: non-coding transcript variant (1), intron variant (1).
Genome position (GRCh38, 1-based): chr4:1,804,459, C>G. VCF-style: chr4-1804459-C-G. GRCh37 (hg19) VCF-style: chr4-1806186-C-G.
Other names: c.1211C>G, p.Pro404Arg (NM_001163213.2); c.1205C>G, p.Pro402Arg (NM_001354809.2, NM_001354810.2); c.931-365C>G (NM_022965.4); short protein forms P402R, P404R.
Identifiers: ClinVar variation 383740 (VCV000383740.8), dbSNP rs752194597, ClinGen allele CA2810297.